The following is an entry in ClinVar:

NM_030973.4(MED25):c.440A>C (p.Asn147Thr)

Gene: MED25 (mediator complex subunit 25; plus strand). Cytogenetic location: 19q13.33.
Variant type: single nucleotide variant.
Coding change: c.440A>C on transcript NM_030973.4 (MANE Select); coding-DNA position 440, A replaced by C.
Protein change: p.Asn147Thr; replaces asparagine 147 with threonine.
Molecular consequence: missense variant.
Genome position (GRCh38, 1-based): chr19:49,829,005, A>C. VCF-style: chr19-49829005-A-C. GRCh37 (hg19) VCF-style: chr19-50332262-A-C.
Other names: c.440A>C, p.Asn147Thr (NM_001378355.1); short protein forms N147T.
Identifiers: ClinVar variation 1407541 (VCV001407541.5), dbSNP rs575908777, ClinGen allele CA9584864.

ClinVar aggregate classification (germline): Uncertain significance (1 of 4 stars; one submission).

Conditions:
Charcot-Marie-Tooth disease type 2. Also called: Charcot-Marie-Tooth type 2. Identifiers: Orphanet 64746, MedGen C0270914, MONDO:0018993.

gnomAD v4.1: 32 of 1,613,690 alleles (0.002%); highest among the groups gnomAD compares: Non-Finnish European, 0.0027%; no homozygotes.

Submission:

Labcorp Genetics (formerly Invitae), Labcorp
Classification: Uncertain significance for Charcot-Marie-Tooth disease type 2. Last evaluated: 2024-07-29. Review status: criteria provided, single submitter. Criteria: Invitae Variant Classification Sherloc (09022015). Collection method: clinical testing. Allele origin: germline.
Comment: This sequence change replaces asparagine, which is neutral and polar, with threonine, which is neutral and polar, at codon 147 of the MED25 protein (p.Asn147Thr). This variant is present in population databases (rs575908777, gnomAD 0.002%). This variant has not been reported in the literature in individuals affected with MED25-related conditions. ClinVar contains an entry for this variant (Variation ID: 1407541). An algorithm developed to predict the effect of missense changes on protein structure and function (PolyPhen-2) suggests that this variant is likely to be disruptive. In summary, the available evidence is currently insufficient to determine the role of this variant in disease. Therefore, it has been classified as a Variant of Uncertain Significance.